The following is an entry in ClinVar:

NM_005912.3(MC4R):c.461C>T (p.Ala154Val)

Gene: MC4R (melanocortin 4 receptor; minus strand). Cytogenetic location: 18q21.32.
Variant type: single nucleotide variant.
Coding change: c.461C>T on transcript NM_005912.3 (MANE Select); coding-DNA position 461, C replaced by T.
Protein change: p.Ala154Val; replaces alanine 154 with valine.
Molecular consequence: missense variant.
Genome position (GRCh38, 1-based): chr18:60,371,889, G>A on the plus strand (C>T on the coding strand, the complement: MC4R is on the minus strand). VCF-style: chr18-60371889-G-A. GRCh37 (hg19) VCF-style: chr18-58039122-G-A.
Other names: short protein forms A154V.
Identifiers: ClinVar variation 2413010 (VCV002413010.4), dbSNP rs761855498, ClinGen allele CA402719759.

ClinVar aggregate classification (germline): Uncertain significance. Review status: criteria provided, multiple submitters, no conflicts (2 of 4 stars). 2 submissions from 2 submitters: Uncertain significance (2). Last evaluated 2026-04-08.

Conditions:
MC4R-related disorder. Also called: MC4R-related condition.

Submissions (2):

PreventionGenetics, part of Exact Sciences
Classification: Uncertain significance for MC4R-related condition. Last evaluated: 2026-04-08. Review status: criteria provided, single submitter. Criteria: ACMG Guidelines, 2015. Collection method: clinical testing. Allele origin: germline.
Comment: The MC4R c.461C>T variant is predicted to result in the amino acid substitution p.Ala154Val. To our knowledge, this variant has not been reported in the literature. This variant is reported in 0.00088% of alleles in individuals of European (Non-Finnish) descent in gnomAD. At this time, the clinical significance of this variant is uncertain due to the absence of conclusive functional and genetic evidence.

GeneDx
Classification: Uncertain significance. Last evaluated: 2022-07-25. Review status: criteria provided, single submitter. Criteria: GeneDx Variant Classification Process June 2021. Collection method: clinical testing. Allele origin: germline. Affected: yes.
Comment: In silico analysis supports that this missense variant has a deleterious effect on protein structure/function; Has not been previously published as pathogenic or benign to our knowledge